The following is an entry in ClinVar:

ClinVar aggregate classification (germline): Uncertain significance (1 of 4 stars; one submission).

Conditions:
Griscelli syndrome type 2 (GS2). Also called: PAID SYNDROME; PARTIAL ALBINISM AND IMMUNODEFICIENCY SYNDROME; GRISCELLI SYNDROME WITH HEMOPHAGOCYTIC SYNDROME. Identifiers: Orphanet 381, Orphanet 79477, MedGen C1868679, MONDO:0011872, OMIM 607624.

Allele frequency attached by ClinVar (database versions not stated): gnomAD exomes below 0.00001; gnomAD 0.00001.
gnomAD v4.1: 2 of 1,613,996 alleles (0.00012%); highest among the groups gnomAD compares: African/African-American, 0.0027%; no homozygotes.

Submission:

Labcorp Genetics (formerly Invitae), Labcorp
Classification: Uncertain significance for Griscelli syndrome type 2. Last evaluated: 2022-09-07. Review status: criteria provided, single submitter. Criteria: Invitae Variant Classification Sherloc (09022015). Collection method: clinical testing. Allele origin: germline.
Comment: This sequence change replaces valine, which is neutral and non-polar, with alanine, which is neutral and non-polar, at codon 199 of the RAB27A protein (p.Val199Ala). This variant is present in population databases (no rsID available, gnomAD 0.007%). In summary, the available evidence is currently insufficient to determine the role of this variant in disease. Therefore, it has been classified as a Variant of Uncertain Significance. Advanced modeling of protein sequence and biophysical properties (such as structural, functional, and spatial information, amino acid conservation, physicochemical variation, residue mobility, and thermodynamic stability) performed at Invitae indicates that this missense variant is not expected to disrupt RAB27A protein function. ClinVar contains an entry for this variant (Variation ID: 1039803). This variant has not been reported in the literature in individuals affected with RAB27A-related conditions.

NM_183235.3(RAB27A):c.596T>C (p.Val199Ala)

Gene: RAB27A (RAB27A, member RAS oncogene family; minus strand). Cytogenetic location: 15q21.3.
Variant type: single nucleotide variant.
Coding change: c.596T>C on transcript NM_183235.3 (MANE Select); coding-DNA position 596, T replaced by C.
Protein change: p.Val199Ala; replaces valine 199 with alanine.
Molecular consequence: missense variant.
Genome position (GRCh38, 1-based): chr15:55,205,577, A>G on the plus strand (T>C on the coding strand, the complement: RAB27A is on the minus strand). VCF-style: chr15-55205577-A-G. GRCh37 (hg19) VCF-style: chr15-55497775-A-G.
Other names: c.596T>C, p.Val199Ala (NM_004580.5, NM_183234.3, NM_183236.3); short protein forms V199A.
Identifiers: ClinVar variation 1039803 (VCV001039803.6), dbSNP rs778390086, ClinGen allele CA392781820.
Genomic context (GRCh38, chr15:55,205,577, plus strand): 5'-CATGCCCCTTTCTCCTTTTCTTCACTTAACTGATCCGTAGAGGCATGACCATTTGATCGC[A>G]CCACTCCTTCAGGAATCCAGGACTTGTCCACACACCGTTCCATTCGCTTCATTATCAGGT-3'
Protein context (NP_899058.1, residues 189-209): VDKSWIPEGV[Val199Ala]RSNGHASTDQ